The following is an entry in ClinVar:

ClinVar aggregate classification (germline): Uncertain significance (1 of 4 stars; one submission).

Allele frequency attached by ClinVar (database versions not stated): gnomAD exomes below 0.00001; ExAC 0.00001; gnomAD 0.00001; TOPMed 0.00001; 1000 Genomes Project 0.00020; 1000 Genomes Project 30x 0.00031.
gnomAD v4.1: 8 of 1,614,166 alleles (0.0005%); highest among the groups gnomAD compares: East Asian, 0.018%; no homozygotes.

Submission:

Labcorp Genetics (formerly Invitae), Labcorp
Classification: Uncertain significance. Last evaluated: 2024-06-17. Review status: criteria provided, single submitter. Criteria: Invitae Variant Classification Sherloc (09022015). Collection method: clinical testing. Allele origin: germline.
Comment: This sequence change replaces histidine, which is basic and polar, with arginine, which is basic and polar, at codon 4600 of the FAT4 protein (p.His4600Arg). This variant is present in population databases (rs201499023, gnomAD 0.02%). This variant has not been reported in the literature in individuals affected with FAT4-related conditions. ClinVar contains an entry for this variant (Variation ID: 1943006). Advanced modeling of protein sequence and biophysical properties (such as structural, functional, and spatial information, amino acid conservation, physicochemical variation, residue mobility, and thermodynamic stability) performed at Invitae indicates that this missense variant is not expected to disrupt FAT4 protein function with a negative predictive value of 95%. In summary, the available evidence is currently insufficient to determine the role of this variant in disease. Therefore, it has been classified as a Variant of Uncertain Significance.

NM_001291303.3(FAT4):c.13805A>G (p.His4602Arg)

Gene: FAT4 (FAT atypical cadherin 4; plus strand). Cytogenetic location: 4q28.1.
Variant type: single nucleotide variant.
Coding change: c.13805A>G on transcript NM_001291303.3 (MANE Select); coding-DNA position 13805, A replaced by G.
Protein change: p.His4602Arg; replaces histidine 4602 with arginine.
Molecular consequence: missense variant.
Genome position (GRCh38, 1-based): chr4:125,490,621, A>G. VCF-style: chr4-125490621-A-G. GRCh37 (hg19) VCF-style: chr4-126411776-A-G.
Other names: c.13802A>G, p.His4601Arg (NM_001291285.3); c.13799A>G, p.His4600Arg (NM_024582.6); short protein forms H4601R, H4602R, H4600R.
Identifiers: ClinVar variation 1943006 (VCV001943006.4), dbSNP rs201499023, ClinGen allele CA3074438.